The following is an entry in ClinVar:

NM_001363118.2(SLC52A2):c.466C>G (p.Leu156Val)

Gene: SLC52A2 (solute carrier family 52 member 2; plus strand). Cytogenetic location: 8q24.3.
Variant type: single nucleotide variant.
Coding change: c.466C>G on transcript NM_001363118.2 (MANE Select); coding-DNA position 466, C replaced by G.
Protein change: p.Leu156Val; replaces leucine 156 with valine.
Molecular consequence: missense variant. On other transcripts: non-coding transcript variant (1), intron variant (1).
Genome position (GRCh38, 1-based): chr8:144,359,958, C>G. VCF-style: chr8-144359958-C-G. GRCh37 (hg19) VCF-style: chr8-145583618-C-G.
Other names: c.466C>G, p.Leu156Val (NM_001253815.2, NM_001253816.2, NM_001363120.2 and 2 more transcripts); c.202C>G, p.Leu68Val (NM_001410949.1); c.131-157C>G (NM_001363122.2); c.466C>G (NM_024531.3); short protein forms L68V, L156V.
Identifiers: ClinVar variation 2144366 (VCV002144366.4), dbSNP rs1554853980, ClinGen allele CA372627220.
Genomic context (GRCh38, chr8:144,359,958, plus strand): 5'-TTGAGCCACCTGCCACCTCGCTTCTTACGGTCATTCTTCCTGGGTCAAGGCCTGAGTGCC[C>G]TGCTGCCCTGCGTGCTGGCCCTAGTGCAGGGTGTGGGCCGCCTCGAGTGCCCGCCAGCCC-3'
Protein context (NP_001350047.1, residues 146-166): SFFLGQGLSA[Leu156Val]LPCVLALVQG

ClinVar aggregate classification (germline): Uncertain significance. Review status: criteria provided, multiple submitters, no conflicts (2 of 4 stars). 2 submissions from 2 submitters: Uncertain significance (2). Last evaluated 2025-10-06.

Conditions:
Brown-Vialetto-van Laere syndrome 2. Also called: SPINOCEREBELLAR ATAXIA WITH BLINDNESS AND DEAFNESS 2; Riboflavin transporter deficiency type 2. Identifiers: Orphanet 572543, Orphanet 97229, MedGen C3553538, MONDO:0013867, OMIM 614707.
Inborn genetic diseases. Identifiers: MedGen C0950123, MeSH D030342.

Allele frequency attached by ClinVar (database versions not stated): gnomAD 0.00001.
gnomAD v4.1: 3 of 1,613,160 alleles (0.00019%); highest among the groups gnomAD compares: African/African-American, 0.004%; no homozygotes.

Submissions (2):

Ambry Genetics
Classification: Uncertain significance for Inborn genetic diseases. Last evaluated: 2025-10-06. Review status: criteria provided, single submitter. Criteria: Ambry Variant Classification Scheme 2023. Collection method: clinical testing. Allele origin: germline.

Labcorp Genetics (formerly Invitae), Labcorp
Classification: Uncertain significance for Brown-Vialetto-van Laere syndrome 2. Last evaluated: 2022-01-26. Review status: criteria provided, single submitter. Criteria: Invitae Variant Classification Sherloc (09022015). Collection method: clinical testing. Allele origin: germline.
Comment: Advanced modeling of protein sequence and biophysical properties (such as structural, functional, and spatial information, amino acid conservation, physicochemical variation, residue mobility, and thermodynamic stability) performed at Invitae indicates that this missense variant is expected to disrupt SLC52A2 protein function. This sequence change replaces leucine, which is neutral and non-polar, with valine, which is neutral and non-polar, at codon 156 of the SLC52A2 protein (p.Leu156Val). This variant is present in population databases (no rsID available, gnomAD 0.008%). This variant has not been reported in the literature in individuals affected with SLC52A2-related conditions. In summary, the available evidence is currently insufficient to determine the role of this variant in disease. Therefore, it has been classified as a Variant of Uncertain Significance.